The following is an entry in ClinVar:

NM_014915.3(ANKRD26):c.2231A>G (p.Asn744Ser)

Gene: ANKRD26 (ankyrin repeat domain 26; minus strand). Cytogenetic location: 10p12.1.
Variant type: single nucleotide variant.
Coding change: c.2231A>G on transcript NM_014915.3 (MANE Select); coding-DNA position 2231, A replaced by G.
Protein change: p.Asn744Ser; replaces asparagine 744 with serine.
Molecular consequence: missense variant.
Genome position (GRCh38, 1-based): chr10:27,040,109, T>C on the plus strand (A>G on the coding strand, the complement: ANKRD26 is on the minus strand). VCF-style: chr10-27040109-T-C. GRCh37 (hg19) VCF-style: chr10-27329038-T-C.
Other names: c.2228A>G, p.Asn743Ser (NM_001256053.2); short protein forms N743S, N744S.
Identifiers: ClinVar variation 2640373 (VCV002640373.25), dbSNP rs1209510659, ClinGen allele CA376367681.
Genomic context (GRCh38, chr10:27,040,109, plus strand): 5'-TGTAGTACATTAACCTTGTCTTCCATTTTTTTAATTTTTACTGTAAGTAGTTCACAGTGA[T>C]TTTTTTTAAGTTCTAATAATCTTTCACATGAAAGAGCTGCATCCTGGATTTTCAATAGGC-3'
Protein context (NP_055730.2, residues 734-754): SCERLLELKK[Asn744Ser]HCELLTVKIK

ClinVar aggregate classification (germline): Conflicting classifications of pathogenicity. Review status: criteria provided, conflicting classifications (1 of 4 stars). 2 submissions from 2 submitters: Uncertain significance (1); Likely benign (1). Last evaluated 2024-12-16.

Conditions:
Inborn genetic diseases. Identifiers: MedGen C0950123, MeSH D030342.

Allele frequency attached by ClinVar (database versions not stated): gnomAD 0.00001; gnomAD exomes 0.00001; TOPMed 0.00001.

Submissions (2):

Ambry Genetics
Classification: Likely benign for Inborn genetic diseases. Last evaluated: 2024-12-16. Review status: criteria provided, single submitter. Criteria: Ambry Variant Classification Scheme 2023. Collection method: clinical testing. Allele origin: germline.

CeGaT Center for Human Genetics Tuebingen
Classification: Uncertain significance. Last evaluated: 2022-09-01. Review status: criteria provided, single submitter. Criteria: CeGaT Center For Human Genetics Tuebingen Variant Classification Criteria Version 2. Collection method: clinical testing. Allele origin: germline. Affected: yes. Observed: 1 variant allele.
Comment: ANKRD26: PM2, BP4